The following is an entry in ClinVar:

ClinVar aggregate classification (germline): Uncertain significance. Review status: criteria provided, multiple submitters, no conflicts (2 of 4 stars). 6 submissions from 6 submitters: Uncertain significance (5). 1 of the submissions does not count toward it. Last evaluated 2025-08-06.

Conditions:
Inborn genetic diseases. Identifiers: MedGen C0950123, MeSH D030342.
Migraine, familial hemiplegic, 2. Identifiers: Orphanet 569, MedGen C1865322, MONDO:0011232, OMIM 602481.
Developmental and epileptic encephalopathy 98. Identifiers: MedGen C5562017, MONDO:0030472, OMIM 619605.
ATP1A2-related disorder. Also called: ATP1A2-related condition; ATP1A2-RELATED DISORDERS.
Familial hemiplegic migraine. Identifiers: MedGen C0338484, MONDO:0000700.
Alternating hemiplegia of childhood 1 (AHC1). Identifiers: Orphanet 2131, MedGen C3549447, MONDO:0007087, OMIM 104290.

Allele frequency attached by ClinVar (database versions not stated): gnomAD 0.00001; gnomAD exomes 0.00001; TOPMed 0.00003.
gnomAD v4.1: 20 of 1,614,078 alleles (0.0012%); highest among the groups gnomAD compares: Non-Finnish European, 0.0017%; no homozygotes.

Submissions (6):

Clinical Genomics Laboratory, Washington University in St. Louis
Classification: Uncertain significance for Migraine, familial hemiplegic, 2; Developmental and epileptic encephalopathy 98. Last evaluated: 2025-08-06. Review status: criteria provided, single submitter. Criteria: ACMG Guidelines, 2015. Collection method: clinical testing. Allele origin: germline.
Comment: The ATP1A2 c.192G>T (Gln64His) variant, to our knowledge, has not been reported in the medical literature. This variant is absent from the general population (gnomAD v2.1.1), indicating it is not a common variant. Computational predictors suggest that the variant does not impact ATP1A2 function. This variant has been reported in the ClinVar database as a germline variant of uncertain significance by five submitters. Due to limited information, and based on ACMG/AMP guidelines for variant interpretation (Richards S et al., PMID: 25741868), the clinical significance of this variant is uncertain at this time.

Labcorp Genetics (formerly Invitae), Labcorp
Classification: Uncertain significance for Familial hemiplegic migraine. Last evaluated: 2024-02-23. Review status: criteria provided, single submitter. Criteria: Invitae Variant Classification Sherloc (09022015). Collection method: clinical testing. Allele origin: germline.
Comment: This sequence change replaces glutamine, which is neutral and polar, with histidine, which is basic and polar, at codon 64 of the ATP1A2 protein (p.Gln64His). This variant is not present in population databases (gnomAD no frequency). This variant has not been reported in the literature in individuals affected with ATP1A2-related conditions. ClinVar contains an entry for this variant (Variation ID: 204910). Advanced modeling of protein sequence and biophysical properties (such as structural, functional, and spatial information, amino acid conservation, physicochemical variation, residue mobility, and thermodynamic stability) performed at Invitae indicates that this missense variant is not expected to disrupt ATP1A2 protein function with a negative predictive value of 80%. In summary, the available evidence is currently insufficient to determine the role of this variant in disease. Therefore, it has been classified as a Variant of Uncertain Significance.

Ambry Genetics
Classification: Uncertain significance for Inborn genetic diseases. Last evaluated: 2022-12-02. Review status: criteria provided, single submitter. Criteria: Ambry Variant Classification Scheme 2023. Collection method: clinical testing. Allele origin: germline.

GeneDx
Classification: Uncertain significance. Last evaluated: 2022-03-14. Review status: criteria provided, single submitter. Criteria: GeneDx Variant Classification Process June 2021. Collection method: clinical testing. Allele origin: germline. Affected: yes.
Comment: Not observed at significant frequency in large population cohorts (gnomAD); In silico analysis supports that this missense variant does not alter protein structure/function; Has not been previously published as pathogenic or benign to our knowledge

Fulgent Genetics
Classification: Uncertain significance for Alternating hemiplegia of childhood 1; Migraine, familial hemiplegic, 2. Last evaluated: 2018-10-31. Review status: criteria provided, single submitter. Criteria: ACMG Guidelines, 2015. Collection method: clinical testing. Allele origin: unknown.

PreventionGenetics, part of Exact Sciences
Classification: Uncertain significance for ATP1A2-related condition. Last evaluated: 2024-08-06. Review status: no assertion criteria provided. Collection method: clinical testing. Allele origin: germline. Not counted in ClinVar's aggregate classification.
Comment: The ATP1A2 c.192G>T variant is predicted to result in the amino acid substitution p.Gln64His. To our knowledge, this variant has not been reported in the literature or in a large population database, indicating this variant is rare. At this time, the clinical significance of this variant is uncertain due to the absence of conclusive functional and genetic evidence.

NM_000702.4(ATP1A2):c.192G>T (p.Gln64His)

Gene: ATP1A2 (ATPase Na+/K+ transporting subunit alpha 2; plus strand). Cytogenetic location: 1q23.2.
Variant type: single nucleotide variant.
Coding change: c.192G>T on transcript NM_000702.4 (MANE Select); coding-DNA position 192, G replaced by T.
Protein change: p.Gln64His; replaces glutamine 64 with histidine.
Molecular consequence: missense variant.
Genome position (GRCh38, 1-based): chr1:160,123,227, G>T. VCF-style: chr1-160123227-G-T. GRCh37 (hg19) VCF-style: chr1-160093017-G-T.
Other names: p.Q64H:CAG>CAT; short protein forms Q64H.
Identifiers: ClinVar variation 204910 (VCV000204910.18), dbSNP rs796052282, ClinGen allele CA313349.
Genomic context (GRCh38, chr1:160,123,227, plus strand): 5'-GGTTGGCTCCGGATGCGTGCCCCTACGCCTCTCCTTGCTCCCTCAGGGCCTCACCAACCA[G>T]CGGGCTCAGGACGTTCTGGCTCGAGATGGGCCCAACGCCCTCACACCACCTCCCACAACC-3'
Protein context (NP_000693.1, residues 54-74): QVDLSKGLTN[Gln64His]RAQDVLARDG